The following is an entry in ClinVar:

NM_000214.3(JAG1):c.1437T>G (p.Tyr479Ter)

Gene: JAG1 (jagged canonical Notch ligand 1; minus strand). Cytogenetic location: 20p12.2.
Variant type: single nucleotide variant.
Coding change: c.1437T>G on transcript NM_000214.3 (MANE Select); coding-DNA position 1437, T replaced by G.
Protein change: p.Tyr479Ter; replaces tyrosine 479 with a stop codon.
Molecular consequence: nonsense.
Genome position (GRCh38, 1-based): chr20:10,648,681, A>C on the plus strand (T>G on the coding strand, the complement: JAG1 is on the minus strand). VCF-style: chr20-10648681-A-C. GRCh37 (hg19) VCF-style: chr20-10629329-A-C.
Other names: short protein forms Y479*.
Identifiers: ClinVar variation 2849949 (VCV002849949.3), dbSNP rs2067325167, ClinGen allele CA408237859.

ClinVar aggregate classification (germline): Pathogenic (1 of 4 stars; one submission).

Conditions:
Alagille syndrome due to a JAG1 point mutation. Also called: JAG1-Related Alagille Syndrome; Alagille Syndrome 1; HEPATIC DUCTULAR HYPOPLASIA, SYNDROMATIC. Identifiers: Orphanet 261619, Orphanet 52, MedGen C1956125, MONDO:0016862, OMIM 118450.

Submission:

Labcorp Genetics (formerly Invitae), Labcorp
Classification: Pathogenic for Alagille syndrome due to a JAG1 point mutation. Last evaluated: 2023-03-27. Review status: criteria provided, single submitter. Criteria: Invitae Variant Classification Sherloc (09022015). Collection method: clinical testing. Allele origin: germline.
Comment: For these reasons, this variant has been classified as Pathogenic. Algorithms developed to predict the effect of sequence changes on RNA splicing suggest that this variant may disrupt the consensus splice site. This variant has not been reported in the literature in individuals affected with JAG1-related conditions. This variant is not present in population databases (gnomAD no frequency). This sequence change creates a premature translational stop signal (p.Tyr479*) in the JAG1 gene. It is expected to result in an absent or disrupted protein product. Loss-of-function variants in JAG1 are known to be pathogenic (PMID: 11180599).

Literature cited by the submitters: PubMed 11180599.